The following is an entry in ClinVar:

ClinVar aggregate classification (germline): Uncertain significance (1 of 4 stars; one submission).

Submission:

GeneDx
Classification: Uncertain significance. Last evaluated: 2024-04-05. Review status: criteria provided, single submitter. Criteria: GeneDx Variant Classification Process June 2021. Collection method: clinical testing. Allele origin: germline. Affected: yes.
Comment: Not observed at significant frequency in large population cohorts (gnomAD); In silico analysis supports that this missense variant has a deleterious effect on protein structure/function; Has not been previously published as pathogenic or benign to our knowledge

NM_001353694.2(TIAM1):c.2663G>A (p.Gly888Asp)

Gene: TIAM1 (TIAM Rac1 associated GEF 1; minus strand). Cytogenetic location: 21q22.11.
Variant type: single nucleotide variant.
Coding change: c.2663G>A on transcript NM_001353694.2 (MANE Select); coding-DNA position 2663, G replaced by A.
Protein change: p.Gly888Asp; replaces glycine 888 with aspartic acid.
Molecular consequence: missense variant.
Genome position (GRCh38, 1-based): chr21:31,182,645, C>T on the plus strand (G>A on the coding strand, the complement: TIAM1 is on the minus strand). VCF-style: chr21-31182645-C-T. GRCh37 (hg19) VCF-style: chr21-32554962-C-T.
Other names: c.2663G>A, p.Gly888Asp (NM_001353686.2, NM_001353688.1, NM_001353689.1 and 5 more transcripts); c.2588G>A, p.Gly863Asp (NM_001353687.2); short protein forms G863D, G888D.
Identifiers: ClinVar variation 3372137 (VCV003372137.1).